The following is an entry in ClinVar:

NM_018418.5(SPATA7):c.646G>A (p.Val216Ile)

Gene: SPATA7 (spermatogenesis associated 7; plus strand). Cytogenetic location: 14q31.3.
Variant type: single nucleotide variant.
Coding change: c.646G>A on transcript NM_018418.5 (MANE Select); coding-DNA position 646, G replaced by A.
Protein change: p.Val216Ile; replaces valine 216 with isoleucine.
Molecular consequence: missense variant.
Genome position (GRCh38, 1-based): chr14:88,426,505, G>A. VCF-style: chr14-88426505-G-A. GRCh37 (hg19) VCF-style: chr14-88892849-G-A.
Other names: c.550G>A, p.Val184Ile (NM_001040428.4); short protein forms V216I, V184I.
Identifiers: ClinVar variation 1496551 (VCV001496551.6), dbSNP rs747210887, ClinGen allele CA7298568.

ClinVar aggregate classification (germline): Uncertain significance. Review status: criteria provided, multiple submitters, no conflicts (2 of 4 stars). 2 submissions from 2 submitters: Uncertain significance (2). Last evaluated 2023-12-22.

Conditions:
Leber congenital amaurosis 3 (LCA3). Also called: SPATA7-Related Retinitis Pigmentosa. Identifiers: MedGen C1858677, MONDO:0011415, OMIM 604232.

Allele frequency attached by ClinVar (database versions not stated): TOPMed 0.00002; gnomAD 0.00003; gnomAD exomes 0.00008; ExAC 0.00014.
gnomAD v4.1: 89 of 1,614,098 alleles (0.0055%); highest among the groups gnomAD compares: Non-Finnish European, 0.0072%; no homozygotes.

Submissions (2):

Blueprint Genetics
Classification: Uncertain significance. Last evaluated: 2023-12-22. Review status: criteria provided, single submitter. Criteria: ACMG Guidelines, 2015. Collection method: clinical testing. Allele origin: germline.

Labcorp Genetics (formerly Invitae), Labcorp
Classification: Uncertain significance for Leber congenital amaurosis 3. Last evaluated: 2021-09-24. Review status: criteria provided, single submitter. Criteria: Invitae Variant Classification Sherloc (09022015). Collection method: clinical testing. Allele origin: germline.
Comment: This sequence change replaces valine with isoleucine at codon 216 of the SPATA7 protein (p.Val216Ile). The valine residue is moderately conserved and there is a small physicochemical difference between valine and isoleucine. This variant is present in population databases (rs747210887, ExAC 0.03%). This variant has not been reported in the literature in individuals with SPATA7-related conditions. Algorithms developed to predict the effect of missense changes on protein structure and function are either unavailable or do not agree on the potential impact of this missense change (SIFT: "Tolerated"; PolyPhen-2: "Possibly Damaging"; Align-GVGD: "Class C0"). In summary, the available evidence is currently insufficient to determine the role of this variant in disease. Therefore, it has been classified as a Variant of Uncertain Significance.